The following is an entry in ClinVar:

NM_000252.3(MTM1):c.1234A>G (p.Ile412Val)

Gene: MTM1 (myotubularin 1; plus strand). Cytogenetic location: Xq28.
Variant type: single nucleotide variant.
Coding change: c.1234A>G on transcript NM_000252.3 (MANE Select); coding-DNA position 1234, A replaced by G.
Protein change: p.Ile412Val; replaces isoleucine 412 with valine.
Molecular consequence: missense variant.
Genome position (GRCh38, 1-based): chrX:150,658,001, A>G. VCF-style: chrX-150658001-A-G. GRCh37 (hg19) VCF-style: chrX-149826474-A-G.
Other names: c.1234A>G, p.Ile412Val (NM_001376906.1, NM_001376908.1); c.1123A>G, p.Ile375Val (NM_001376907.1); short protein forms I412V, I375V.
Identifiers: ClinVar variation 158907 (VCV000158907.7), dbSNP rs587783765, ClinGen allele CA271757.

ClinVar aggregate classification (germline): Conflicting classifications of pathogenicity. Review status: criteria provided, conflicting classifications (1 of 4 stars). 2 submissions from 2 submitters: Likely pathogenic (1); Uncertain significance (1). Last evaluated 2023-02-21.

Conditions:
Severe X-linked myotubular myopathy (CNMX). Also called: MYOTUBULAR MYOPATHY 1; X-linked centronuclear myopathy; Myotubular myopathy, X-linked. Identifiers: Orphanet 596, MedGen C0410203, MONDO:0010683, OMIM 310400.

Submissions (2):

GeneDx
Classification: Uncertain significance. Last evaluated: 2023-02-21. Review status: criteria provided, single submitter. Criteria: GeneDx Variant Classification Process June 2021. Collection method: clinical testing. Allele origin: germline. Affected: yes.
Comment: Not observed at significant frequency in large population cohorts (gnomAD); In silico analysis supports a deleterious effect on splicing; This variant is associated with the following publications: (PMID: 24451234, 26995067, 30149909, 27017278, 19084976)

Genetic Services Laboratory, University of Chicago
Classification: Likely pathogenic for Myotubular myopathy, X-linked. Last evaluated: 2013-02-08. Review status: criteria provided, single submitter. Criteria: ACMG Guidelines, 2007. Collection method: clinical testing. Allele origin: germline. Inheritance: X-linked inheritance. Affected: yes.